The following is an entry in ClinVar:

ClinVar aggregate classification (germline): Likely benign (0 of 4 stars; one submission).

Conditions:
PROK2-related disorder. Also called: PROK2-related condition.

Allele frequency attached by ClinVar (database versions not stated): gnomAD 0.00002; gnomAD exomes 0.00002; TOPMed 0.00003.
gnomAD v4.1: 23 of 1,246,452 alleles (0.0018%); highest among the groups gnomAD compares: Non-Finnish European, 0.0022%; no homozygotes.

Submission:

PreventionGenetics, part of Exact Sciences
Classification: Likely benign for PROK2-related condition. Last evaluated: 2021-06-18. Review status: no assertion criteria provided. Collection method: clinical testing. Allele origin: germline.
Comment: This variant is classified as likely benign based on ACMG/AMP sequence variant interpretation guidelines (Richards et al. 2015 PMID: 25741868, with internal and published modifications).

NM_001126128.2(PROK2):c.33C>T (p.Leu11=)

Gene: PROK2 (prokineticin 2; minus strand). Cytogenetic location: 3p13.
Variant type: single nucleotide variant.
Coding change: c.33C>T on transcript NM_001126128.2 (MANE Select); coding-DNA position 33, C replaced by T.
Protein change: p.Leu11=; no amino-acid change (leucine 11 retained).
Molecular consequence: synonymous variant.
Genome position (GRCh38, 1-based): chr3:71,785,020, G>A on the plus strand (C>T on the coding strand, the complement: PROK2 is on the minus strand). VCF-style: chr3-71785020-G-A. GRCh37 (hg19) VCF-style: chr3-71834171-G-A.
Other names: c.33C>T, p.Leu11= (NM_021935.4).
Identifiers: ClinVar variation 3048189 (VCV003048189.2), dbSNP rs1333419956, ClinGen allele CA434163379.
Genomic context (GRCh38, chr3:71,785,020, plus strand): 5'-GGTGATCACGGCGGCGTCCCCAGCGCGGGGCGTGAGCAGCAGCGGCGGCAGCAGCAAGAG[G>A]AGCAGGAGTGGGGCGCAGCACAGGCTCCTCATGGCGCCCTCGGGACTGGGCGGCCGCCGG-3'
Protein context (NP_001119600.1, residues 1-21): MRSLCCAPLL[Leu11=]LLLLPPLLLT